The following is an entry in ClinVar:

NM_145886.4(PIDD1):c.1814G>A (p.Arg605Gln)

Gene: PIDD1 (p53-induced death domain protein 1; minus strand). Cytogenetic location: 11p15.5.
Variant type: single nucleotide variant.
Coding change: c.1814G>A on transcript NM_145886.4 (MANE Select); coding-DNA position 1814, G replaced by A.
Protein change: p.Arg605Gln; replaces arginine 605 with glutamine.
Molecular consequence: missense variant.
Genome position (GRCh38, 1-based): chr11:800,865, C>T on the plus strand (G>A on the coding strand, the complement: PIDD1 is on the minus strand). VCF-style: chr11-800865-C-T. GRCh37 (hg19) VCF-style: chr11-800865-C-T.
Other names: c.1814G>A, p.Arg605Gln (NM_145887.4); short protein forms R605Q.
Identifiers: ClinVar variation 2456362 (VCV002456362.3), dbSNP rs781023813, ClinGen allele CA5789872.
Genomic context (GRCh38, chr11:800,865, plus strand): 5'-CGGCGCCGCTGCAGAGCGATGAGGTTCACACGGTGCAGCCGCAGCCGCTCCCAGGCCTTC[C>T]GAGCCAGGCCTCCCACACAGTTCTTGGTGGTGTACCAGAGCCAGTACCTGGGAGAGCTGG-3'
Protein context (NP_665893.2, residues 595-615): TTKNCVGGLA[Arg605Gln]KAWERLRLHR

ClinVar aggregate classification (germline): Uncertain significance. Review status: criteria provided, multiple submitters, no conflicts (2 of 4 stars). 2 submissions from 2 submitters: Uncertain significance (2). Last evaluated 2023-05-15.

Conditions:
Inborn genetic diseases. Identifiers: MedGen C0950123, MeSH D030342.

Allele frequency attached by ClinVar (database versions not stated): gnomAD 0.00003; TOPMed 0.00003; gnomAD exomes 0.00007; ExAC 0.00010.
gnomAD v4.1: 110 of 1,581,266 alleles (0.007%); highest among the groups gnomAD compares: Non-Finnish European, 0.0083%; no homozygotes.

Submissions (2):

GeneDx
Classification: Uncertain significance. Last evaluated: 2023-05-15. Review status: criteria provided, single submitter. Criteria: GeneDx Variant Classification Process June 2021. Collection method: clinical testing. Allele origin: germline. Affected: yes.
Comment: In silico analysis supports that this missense variant does not alter protein structure/function; Has not been previously published as pathogenic or benign to our knowledge

Ambry Genetics
Classification: Uncertain significance for Inborn genetic diseases. Last evaluated: 2023-01-23. Review status: criteria provided, single submitter. Criteria: Ambry Variant Classification Scheme 2023. Collection method: clinical testing. Allele origin: germline.